The following is an entry in ClinVar:

NM_000143.4(FH):c.1193G>A (p.Gly398Asp)

Gene: FH (fumarate hydratase; minus strand). Cytogenetic location: 1q43.
Variant type: single nucleotide variant.
Coding change: c.1193G>A on transcript NM_000143.4 (MANE Select); coding-DNA position 1193, G replaced by A.
Protein change: p.Gly398Asp; replaces glycine 398 with aspartic acid.
Molecular consequence: missense variant.
Genome position (GRCh38, 1-based): chr1:241,502,486, C>T on the plus strand (G>A on the coding strand, the complement: FH is on the minus strand). VCF-style: chr1-241502486-C-T. GRCh37 (hg19) VCF-style: chr1-241665786-C-T.
Other names: short protein forms G398D.
Identifiers: ClinVar variation 3670835 (VCV003670835.2).

ClinVar aggregate classification (germline): Uncertain significance (1 of 4 stars; one submission).

Submission:

Labcorp Genetics (formerly Invitae), Labcorp
Classification: Uncertain significance. Last evaluated: 2024-06-28. Review status: criteria provided, single submitter. Criteria: Invitae Variant Classification Sherloc (09022015). Collection method: clinical testing. Allele origin: germline.
Comment: This sequence change replaces glycine, which is neutral and non-polar, with aspartic acid, which is acidic and polar, at codon 398 of the FH protein (p.Gly398Asp). This variant is not present in population databases (gnomAD no frequency). This variant has not been reported in the literature in individuals affected with FH-related conditions. Advanced modeling of protein sequence and biophysical properties (such as structural, functional, and spatial information, amino acid conservation, physicochemical variation, residue mobility, and thermodynamic stability) performed at Invitae indicates that this missense variant is expected to disrupt FH protein function with a positive predictive value of 95%. In summary, the available evidence is currently insufficient to determine the role of this variant in disease. Therefore, it has been classified as a Variant of Uncertain Significance.